The following is an entry in ClinVar:

NM_001083619.3(GRIA2):c.720+19A>T

Gene: GRIA2 (glutamate ionotropic receptor AMPA type subunit 2; plus strand). Cytogenetic location: 4q32.1.
Variant type: single nucleotide variant.
Coding change: c.720+19A>T on transcript NM_001083619.3 (MANE Select); 19 bases into the intron after coding-DNA position 720, A replaced by T.
Molecular consequence: intron variant.
Genome position (GRCh38, 1-based): chr4:157,317,730, A>T. VCF-style: chr4-157317730-A-T. GRCh37 (hg19) VCF-style: chr4-158238882-A-T.
Other names: c.579+19A>T (NM_001379000.3, NM_001379001.3, NM_001083620.3); c.720+19A>T (NM_000826.6).
Identifiers: ClinVar variation 3063728 (VCV003063728.1), dbSNP rs2530676959, ClinGen allele CA2578221065.

ClinVar aggregate classification (germline): Likely benign (1 of 4 stars; one submission).

Allele frequency attached by ClinVar (database versions not stated): gnomAD exomes below 0.00001.
gnomAD v4.1: 1 of 1,043,078 alleles (0.000096%); no homozygotes.

Submission:

Women's Health and Genetics/Laboratory Corporation of America, LabCorp
Classification: Likely benign. Last evaluated: 2024-01-31. Review status: criteria provided, single submitter. Criteria: LabCorp Variant Classification Summary - May 2015. Collection method: clinical testing. Allele origin: germline.
Comment: Variant summary: GRIA2 c.720+19A>T alters a non-conserved nucleotide located at a position not widely known to affect splicing. Consensus agreement among computation tools predict no significant impact on normal splicing. However, these predictions have yet to be confirmed by functional studies. The variant was absent in 227562 control chromosomes (gnomAD). The available data on variant occurrences in the general population are insufficient to allow any conclusion about variant significance. To our knowledge, no occurrence of c.720+19A>T in individuals affected with Neurodevelopmental Disorder With Language Impairment And Behavioral Abnormalities and no experimental evidence demonstrating its impact on protein function have been reported. No submitters have cited clinical-significance assessments for this variant to ClinVar. Based on the evidence outlined above, the variant was classified as likely benign.